The following is an entry in ClinVar:

NM_024649.5(BBS1):c.6C>T (p.Ala2=)

Gene: BBS1 (Bardet-Biedl syndrome 1; plus strand). Cytogenetic location: 11q13.2.
Variant type: single nucleotide variant.
Coding change: c.6C>T on transcript NM_024649.5 (MANE Select); coding-DNA position 6, C replaced by T.
Protein change: p.Ala2=; no amino-acid change (alanine 2 retained).
Molecular consequence: synonymous variant.
Genome position (GRCh38, 1-based): chr11:66,510,665, C>T. VCF-style: chr11-66510665-C-T. GRCh37 (hg19) VCF-style: chr11-66278136-C-T.
Identifiers: ClinVar variation 305456 (VCV000305456.21), dbSNP rs143592479, ClinGen allele CA6123176.

ClinVar aggregate classification (germline): Conflicting classifications of pathogenicity. Review status: criteria provided, conflicting classifications (1 of 4 stars). 6 submissions from 6 submitters: Uncertain significance (1); Likely benign (3). 2 of the submissions do not count toward it. Last evaluated 2026-09-01.

Conditions:
Bardet-Biedl syndrome (BBS). Identifiers: Orphanet 110, MedGen C0752166, MONDO:0015229.
BBS1-related disorder. Also called: BBS1-related condition.
Bardet-Biedl syndrome 1 (BBS1). Identifiers: MedGen C2936862, MONDO:0008854, OMIM 209900. Disease mechanism: loss of function.

Allele frequency attached by ClinVar (database versions not stated): ESP Exome Variant Server 0.00008; gnomAD 0.00008 and 0.00009; TOPMed 0.00009.
gnomAD v4.1: 101 of 1,614,046 alleles (0.0063%); highest among the groups gnomAD compares: Admixed American, 0.0083%; no homozygotes.

Submissions (6):

CeGaT Center for Human Genetics Tuebingen
Classification: Likely benign. Last evaluated: 2026-09-01. Review status: criteria provided, single submitter. Criteria: CeGaT Center For Human Genetics Tuebingen Variant Classification Criteria Version 2. Collection method: clinical testing. Allele origin: germline. Affected: yes. Observed: 1 variant allele.
Comment: BBS1: BP4, BP7

Labcorp Genetics (formerly Invitae), Labcorp
Classification: Likely benign for Bardet-Biedl syndrome. Last evaluated: 2026-01-27. Review status: criteria provided, single submitter. Criteria: Invitae Variant Classification Sherloc (09022015). Collection method: clinical testing. Allele origin: germline.

Blueprint Genetics
Classification: Likely benign. Last evaluated: 2024-07-02. Review status: criteria provided, single submitter. Criteria: ACMG Guidelines, 2015. Collection method: clinical testing. Allele origin: germline.

Illumina Laboratory Services, Illumina
Classification: Uncertain significance for Bardet-Biedl syndrome 1. Last evaluated: 2018-01-13. Review status: criteria provided, single submitter. Criteria: ICSL Variant Classification Criteria 13 December 2019. Collection method: clinical testing. Allele origin: germline.

PreventionGenetics, part of Exact Sciences
Classification: Likely benign for BBS1-related condition. Last evaluated: 2020-09-17. Review status: no assertion criteria provided. Collection method: clinical testing. Allele origin: germline. Not counted in ClinVar's aggregate classification.
Comment: This variant is classified as likely benign based on ACMG/AMP sequence variant interpretation guidelines (Richards et al. 2015 PMID: 25741868, with internal and published modifications).

Natera, Inc.
Classification: Uncertain significance for Bardet-Biedl syndrome type 1. Last evaluated: 2020-04-14. Review status: no assertion criteria provided. Collection method: clinical testing. Allele origin: germline. Not counted in ClinVar's aggregate classification.